The following is an entry in ClinVar:

ClinVar aggregate classification (germline): Uncertain significance. Review status: criteria provided, multiple submitters, no conflicts (2 of 4 stars). 2 submissions from 2 submitters: Uncertain significance (2). Last evaluated 2022-05-27.

Allele frequency attached by ClinVar (database versions not stated): ExAC 0.00001; gnomAD exomes 0.00001; gnomAD 0.00002; TOPMed 0.00002; ESP Exome Variant Server 0.00008.
gnomAD v4.1: 54 of 1,614,054 alleles (0.0033%); highest among the groups gnomAD compares: Non-Finnish European, 0.0044%; no homozygotes.

Submissions (2):

Ambry Genetics
Classification: Uncertain significance. Last evaluated: 2022-05-27. Review status: criteria provided, single submitter. Criteria: Ambry Variant Classification Scheme 2023. Collection method: clinical testing. Allele origin: germline.

Labcorp Genetics (formerly Invitae), Labcorp
Classification: Uncertain significance. Last evaluated: 2021-09-15. Review status: criteria provided, single submitter. Criteria: Invitae Variant Classification Sherloc (09022015). Collection method: clinical testing. Allele origin: germline.
Comment: This variant is present in population databases (rs375318030, ExAC 0.01%). This sequence change replaces aspartic acid with glutamic acid at codon 483 of the KIF1BP protein (p.Asp483Glu). The aspartic acid residue is weakly conserved and there is a small physicochemical difference between aspartic acid and glutamic acid. This variant has not been reported in the literature in individuals affected with KIF1BP-related conditions. Algorithms developed to predict the effect of missense changes on protein structure and function output the following: SIFT: "Tolerated"; PolyPhen-2: "Benign"; Align-GVGD: "Class C0". The glutamic acid amino acid residue is found in multiple mammalian species, which suggests that this missense change does not adversely affect protein function. In summary, the available evidence is currently insufficient to determine the role of this variant in disease. Therefore, it has been classified as a Variant of Uncertain Significance.

NM_015634.4(KIFBP):c.1449T>A (p.Asp483Glu)

Gene: KIFBP (kinesin family binding protein; plus strand). Cytogenetic location: 10q22.1.
Variant type: single nucleotide variant.
Coding change: c.1449T>A on transcript NM_015634.4 (MANE Select); coding-DNA position 1449, T replaced by A.
Protein change: p.Asp483Glu; replaces aspartic acid 483 with glutamic acid.
Molecular consequence: missense variant.
Genome position (GRCh38, 1-based): chr10:69,015,999, T>A. VCF-style: chr10-69015999-T-A. GRCh37 (hg19) VCF-style: chr10-70775755-T-A.
Other names: c.1449T>A (NM_015634.3); short protein forms D483E.
Identifiers: ClinVar variation 1681421 (VCV001681421.7), dbSNP rs375318030, ClinGen allele CA5529903.